The following is an entry in ClinVar:

NM_000452.3(SLC10A2):c.967C>T (p.Pro323Ser)

Gene: SLC10A2 (solute carrier family 10 member 2; minus strand). Cytogenetic location: 13q33.1.
Variant type: single nucleotide variant.
Coding change: c.967C>T on transcript NM_000452.3 (MANE Select); coding-DNA position 967, C replaced by T.
Protein change: p.Pro323Ser; replaces proline 323 with serine.
Molecular consequence: missense variant.
Genome position (GRCh38, 1-based): chr13:103,046,213, G>A on the plus strand (C>T on the coding strand, the complement: SLC10A2 is on the minus strand). VCF-style: chr13-103046213-G-A. GRCh37 (hg19) VCF-style: chr13-103698563-G-A.
Other names: short protein forms P323S.
Identifiers: ClinVar variation 4765831 (VCV004765831.1).

ClinVar aggregate classification (germline): Uncertain significance (1 of 4 stars; one submission).

Submission:

Labcorp Genetics (formerly Invitae), Labcorp
Classification: Uncertain significance. Last evaluated: 2025-06-29. Review status: criteria provided, single submitter. Criteria: Invitae Variant Classification Sherloc (09022015). Collection method: clinical testing. Allele origin: germline.
Comment: This sequence change replaces proline, which is neutral and non-polar, with serine, which is neutral and polar, at codon 323 of the SLC10A2 protein (p.Pro323Ser). This variant is present in population databases (rs758275143, gnomAD 0.0009%). This variant has not been reported in the literature in individuals affected with SLC10A2-related conditions. An algorithm developed to predict the effect of missense changes on protein structure and function outputs the following: PolyPhen-2: "Benign". The serine amino acid residue is found in multiple mammalian species, which suggests that this missense change does not adversely affect protein function. In summary, the available evidence is currently insufficient to determine the role of this variant in disease. Therefore, it has been classified as a Variant of Uncertain Significance.